The following is an entry in ClinVar:

ClinVar aggregate classification (germline): Conflicting classifications of pathogenicity. Review status: criteria provided, conflicting classifications (1 of 4 stars). 3 submissions from 3 submitters: Uncertain significance (1); Likely benign (2). Last evaluated 2025-11-28.

Conditions:
FG syndrome (FGS). Identifiers: MedGen C0220769, MONDO:0002010.
X-linked intellectual disability with marfanoid habitus. Also called: X-linked mental retardation with marfanoid habitus syndrome; INTELLECTUAL DEVELOPMENTAL DISORDER, X-LINKED, SYNDROMIC, LUJAN-FRYNS TYPE; Lujan Syndrome; Lujan Syndrome (LS). Identifiers: Orphanet 776, MedGen C0796022, MONDO:0010655, OMIM 309520.

Allele frequency attached by ClinVar (database versions not stated): gnomAD exomes below 0.00001; TOPMed below 0.00001.
gnomAD v4.1: 3 of 1,211,206 alleles (0.00025%); highest among the groups gnomAD compares: Admixed American, 0.0022%; no homozygotes.

Submissions (3):

Labcorp Genetics (formerly Invitae), Labcorp
Classification: Likely benign for FG syndrome. Last evaluated: 2025-11-28. Review status: criteria provided, single submitter. Criteria: Invitae Variant Classification Sherloc (09022015). Collection method: clinical testing. Allele origin: germline.

Women's Health and Genetics/Laboratory Corporation of America, LabCorp
Classification: Uncertain significance. Last evaluated: 2025-07-14. Review status: criteria provided, single submitter. Criteria: LabCorp Variant Classification Summary - May 2015. Collection method: clinical testing. Allele origin: germline.
Comment: Variant summary: MED12 c.949T>C (p.Ser317Pro) results in a non-conservative amino acid change in the encoded protein sequence. Algorithms developed to predict the effect of missense changes on protein structure and function are either unavailable or do not agree on the potential impact of this missense change. The variant allele was found at a frequency of 5.5e-06 in 181534 control chromosomes (gnomAD). The available data on variant occurrences in the general population are insufficient to allow any conclusion about variant significance. To our knowledge, no occurrence of c.949T>C in individuals affected with MED12-Related Disorders and no experimental evidence demonstrating its impact on protein function have been reported. ClinVar contains an entry for this variant (Variation ID: 1805137). Based on the evidence outlined above, the variant was classified as uncertain significance.

Victorian Clinical Genetics Services, Murdoch Childrens Research Institute
Classification: Likely benign for X-linked intellectual disability with marfanoid habitus. Last evaluated: 2022-02-02. Review status: criteria provided, single submitter. Criteria: ACMG Guidelines, 2015. Collection method: clinical testing. Allele origin: germline. Inheritance: X-linked recessive inheritance.
Comment: Based on the classification scheme VCGS_Germline_v1.3.4, this variant is classified as Likely benign. Following criteria are met: 0102 - Loss of function is a known mechanism of disease in this gene and is associated with Lujan-Fryns syndrome (MIM#309520), Ohdo syndrome (MIM#300895), Opitz-Kaveggia syndrome (MIM#305450) and Hardikar syndrome (PMID: 33244166). (I) 0109 - This gene is associated with X-linked recessive disease. However, females with de novo variants resulting in a premature termination codon, have been reported with severe disease onset and heavily skewed X-inactivation. Carriers of missense variants have variable presentations, with some mildly affected and others asymptomatic (OMIM, PMIDs: 32174975, 30006928, 33244166). (I) 0115 - Variants in this gene are known to have variable expressivity which is commonly observed in affected females (PMIDs: 33244165; 33913598). (I) 0200 - Variant is predicted to result in a missense amino acid change from serine to proline. (I) 0251 - This variant is heterozygous. (I) 0304 - Variant is present in gnomAD (v2) <0.001 for a recessive condition (1 heterozygote, 0 homozygotes, 1 hemizygote). (SP) 0503 - Missense variant consistently predicted to be tolerated by multiple in silico tools or not conserved in placental mammals with a minor amino acid change. (SB) 0600 - Variant is located in the annotated eukaryotic mediator 12 subunit domain (DECIPHER). (I) 0705 - No comparable missense variants have previous evidence for pathogenicity. (I) 0807 - This variant has no previous evidence of pathogenicity. (I) 0905 - No published segregation evidence has been identified for this variant. (I) 1007 - No published functional evidence has been identified for this variant. (I) Legend: (SP) - Supporting pathogenic, (I) - Information, (SB) - Supporting benign

Literature cited by the submitters: PubMed 30006928 (cited by Victorian Clinical Genetics Services, Murdoch Childrens Research Institute); PubMed 32174975 (cited by Victorian Clinical Genetics Services, Murdoch Childrens Research Institute); PubMed 33244166 (cited by Victorian Clinical Genetics Services, Murdoch Childrens Research Institute); PubMed 33913598 (cited by Victorian Clinical Genetics Services, Murdoch Childrens Research Institute).

NM_005120.3(MED12):c.949T>C (p.Ser317Pro)

Gene: MED12 (mediator complex subunit 12; plus strand). Cytogenetic location: Xq13.1.
Variant type: single nucleotide variant.
Coding change: c.949T>C on transcript NM_005120.3 (MANE Select); coding-DNA position 949, T replaced by C.
Protein change: p.Ser317Pro; replaces serine 317 with proline.
Molecular consequence: missense variant.
Genome position (GRCh38, 1-based): chrX:71,121,664, T>C. VCF-style: chrX-71121664-T-C. GRCh37 (hg19) VCF-style: chrX-70341514-T-C.
Other names: short protein forms S317P.
Identifiers: ClinVar variation 1805137 (VCV001805137.3), dbSNP rs1330990917, ClinGen allele CA413504740.